The following is an entry in ClinVar:

NM_170606.3(KMT2C):c.6188C>T (p.Ala2063Val)

Gene: KMT2C (lysine methyltransferase 2C; minus strand). Cytogenetic location: 7q36.1.
Variant type: single nucleotide variant.
Coding change: c.6188C>T on transcript NM_170606.3 (MANE Select); coding-DNA position 6188, C replaced by T.
Protein change: p.Ala2063Val; replaces alanine 2063 with valine.
Molecular consequence: missense variant.
Genome position (GRCh38, 1-based): chr7:152,181,672, G>A on the plus strand (C>T on the coding strand, the complement: KMT2C is on the minus strand). VCF-style: chr7-152181672-G-A. GRCh37 (hg19) VCF-style: chr7-151878757-G-A.
Other names: short protein forms A2063V.
Identifiers: ClinVar variation 4982537 (VCV004982537.1).

ClinVar aggregate classification (germline): Uncertain significance (1 of 4 stars; one submission).

Conditions:
KMT2C-related disorder. Also called: KMT2C-related condition; KMT2C-related disorders.

gnomAD v4.1: 1 of 1,613,960 alleles (0.000062%); highest among the groups gnomAD compares: Admixed American, 0.0017%; no homozygotes.

Submission:

PreventionGenetics, part of Exact Sciences
Classification: Uncertain significance for KMT2C-related condition. Last evaluated: 2026-09-05. Review status: criteria provided, single submitter. Criteria: ACMG Guidelines, 2015. Collection method: clinical testing. Allele origin: germline.
Comment: The KMT2C c.6188C>T variant is predicted to result in the amino acid substitution p.Ala2063Val. To our knowledge, this variant has not been reported in the literature. This variant is reported in 0.0029% of alleles in individuals of Latino descent in gnomAD. At this time, the clinical significance of this variant is uncertain due to the absence of conclusive functional and genetic evidence.